The following is an entry in ClinVar:

NM_014257.5(CLEC4M):c.627G>A (p.Thr209=)

Gene: CLEC4M (C-type lectin domain family 4 member M; plus strand). Cytogenetic location: 19p13.2.
Variant type: single nucleotide variant.
Coding change: c.627G>A on transcript NM_014257.5 (MANE Select); coding-DNA position 627, G replaced by A.
Protein change: p.Thr209=; no amino-acid change (threonine 209 retained).
Molecular consequence: synonymous variant. On other transcripts: non-coding transcript variant (2).
Genome position (GRCh38, 1-based): chr19:7,766,050, G>A. VCF-style: chr19-7766050-G-A. GRCh37 (hg19) VCF-style: chr19-7830936-G-A.
Other names: c.543G>A, p.Thr181= (NM_001144911.2, NM_001416369.1); c.459G>A, p.Thr153= (NM_001416370.1); c.627G>A, p.Thr209= (NM_214677.1, NM_214678.1); c.564G>A, p.Thr188= (NM_214679.1).
Identifiers: ClinVar variation 2649179 (VCV002649179.24), dbSNP rs59003279, ClinGen allele CA9146414.

ClinVar aggregate classification (germline): Likely benign (1 of 4 stars; one submission).

Allele frequency attached by ClinVar (database versions not stated): gnomAD exomes 0.00001; ExAC 0.00002; gnomAD 0.00006; ESP Exome Variant Server 0.00008.
gnomAD v4.1: 15 of 1,141,710 alleles (0.0013%); highest among the groups gnomAD compares: African/African-American, 0.013%; 3 homozygotes.

Submission:

CeGaT Center for Human Genetics Tuebingen
Classification: Likely benign. Last evaluated: 2023-01-01. Review status: criteria provided, single submitter. Criteria: CeGaT Center For Human Genetics Tuebingen Variant Classification Criteria Version 2. Collection method: clinical testing. Allele origin: germline. Affected: yes. Observed: 1 variant allele.
Comment: CLEC4M: BP4, BP7